The following is an entry in ClinVar:

NM_000545.8(HNF1A):c.1146_1156dup (p.Leu386delinsProTer)

Gene: HNF1A (HNF1 homeobox A; plus strand). Cytogenetic location: 12q24.31.
Variant type: Duplication.
Coding change: c.1146_1156dup on transcript NM_000545.8 (MANE Select); coding-DNA positions 1146 to 1156, 11 bases duplicated (CCTGACAGCAC).
Protein change: p.Leu386delinsProTer.
Molecular consequence: nonsense.
Genome position (GRCh38, 1-based): chr12:120,996,579-120,996,589, CCTGACAGCAC duplicated; duplicating any 11 consecutive bases within chr12:120,996,573-120,996,589 gives the same sequence; the c. name uses the placement nearest the transcript's 3' end. VCF-style (leftmost placement, unchanged base first): chr12-120996572-T-TCAGCACCCTGA. GRCh37 (hg19) VCF-style: chr12-121434375-T-TCAGCACCCTGA.
Other names: c.1146_1156dup, p.Leu386delinsProTer (NM_001306179.2, NM_001406915.1).
Identifiers: ClinVar variation 2828844 (VCV002828844.3), dbSNP rs2500002391, ClinGen allele CA2739277331.

ClinVar aggregate classification (germline): Pathogenic (1 of 4 stars; one submission).

Submission:

Labcorp Genetics (formerly Invitae), Labcorp
Classification: Pathogenic. Last evaluated: 2023-01-15. Review status: criteria provided, single submitter. Criteria: Invitae Variant Classification Sherloc (09022015). Collection method: clinical testing. Allele origin: germline.
Comment: This variant is not present in population databases (gnomAD no frequency). This variant has not been reported in the literature in individuals affected with HNF1A-related conditions. Algorithms developed to predict the effect of sequence changes on RNA splicing suggest that this variant may disrupt the consensus splice site. For these reasons, this variant has been classified as Pathogenic. This sequence change creates a premature translational stop signal (p.Leu386Profs*2) in the HNF1A gene. It is expected to result in an absent or disrupted protein product. Loss-of-function variants in HNF1A are known to be pathogenic (PMID: 15928245, 18003757).

Literature cited by the submitters: PubMed 15928245; PubMed 18003757.